The following is an entry in ClinVar:

NM_033310.3(KCNK4):c.832T>C (p.Trp278Arg)

Genes: KCNK4 (potassium two pore domain channel subfamily K member 4; plus strand), KCNK4-CATSPERZ (KCNK4-CATSPERZ readthrough (NMD candidate); plus strand). Cytogenetic location: 11q13.1.
Variant type: single nucleotide variant.
Coding change: c.832T>C on transcript NM_033310.3 (MANE Select); coding-DNA position 832, T replaced by C.
Protein change: p.Trp278Arg; replaces tryptophan 278 with arginine.
Molecular consequence: missense variant. On other transcripts: non-coding transcript variant (3).
Genome position (GRCh38, 1-based): chr11:64,299,376, T>C. VCF-style: chr11-64299376-T-C. GRCh37 (hg19) VCF-style: chr11-64066848-T-C.
Other names: c.832T>C, p.Trp278Arg (NM_001317090.2); short protein forms W278R.
Identifiers: ClinVar variation 1326112 (VCV001326112.3), dbSNP rs2034862374, ClinGen allele CA381066900.

ClinVar aggregate classification (germline): Uncertain significance (1 of 4 stars; one submission).

Allele frequency attached by ClinVar (database versions not stated): gnomAD exomes below 0.00001.
gnomAD v4.1: 2 of 1,573,894 alleles (0.00013%); highest among the groups gnomAD compares: Non-Finnish European, 0.00017%; no homozygotes.

Submission:

GeneDx
Classification: Uncertain significance. Last evaluated: 2024-08-30. Review status: criteria provided, single submitter. Criteria: GeneDx Variant Classification Process June 2021. Collection method: clinical testing. Allele origin: germline. Affected: yes.
Comment: Not observed in large population cohorts (gnomAD); In silico analysis supports that this missense variant has a deleterious effect on protein structure/function; Has not been previously published as pathogenic or benign to our knowledge